The following is an entry in ClinVar:

ClinVar aggregate classification (germline): Uncertain significance (1 of 4 stars; one submission).

Allele frequency attached by ClinVar (database versions not stated): gnomAD exomes below 0.00001; TOPMed below 0.00001; ExAC 0.00001; gnomAD 0.00001.
gnomAD v4.1: 8 of 1,614,064 alleles (0.0005%); highest among the groups gnomAD compares: Admixed American, 0.0017%; no homozygotes.

Submission:

Labcorp Genetics (formerly Invitae), Labcorp
Classification: Uncertain significance. Last evaluated: 2025-09-13. Review status: criteria provided, single submitter. Criteria: Invitae Variant Classification Sherloc (09022015). Collection method: clinical testing. Allele origin: germline.
Comment: This sequence change replaces glutamine, which is neutral and polar, with histidine, which is basic and polar, at codon 290 of the ECHS1 protein (p.Gln290His). This variant is present in population databases (rs754957782, gnomAD 0.006%). This variant has not been reported in the literature in individuals affected with ECHS1-related conditions. ClinVar contains an entry for this variant (Variation ID: 1948596). Invitae Evidence Modeling of protein sequence and biophysical properties (such as structural, functional, and spatial information, amino acid conservation, physicochemical variation, residue mobility, and thermodynamic stability) indicates that this missense variant is not expected to disrupt ECHS1 protein function with a negative predictive value of 95%. In summary, the available evidence is currently insufficient to determine the role of this variant in disease. Therefore, it has been classified as a Variant of Uncertain Significance.

NM_004092.4(ECHS1):c.870G>C (p.Gln290His)

Gene: ECHS1 (enoyl-CoA hydratase, short chain 1; minus strand). Cytogenetic location: 10q26.3.
Variant type: single nucleotide variant.
Coding change: c.870G>C on transcript NM_004092.4 (MANE Select); coding-DNA position 870, G replaced by C.
Protein change: p.Gln290His; replaces glutamine 290 with histidine.
Molecular consequence: missense variant.
Genome position (GRCh38, 1-based): chr10:133,362,871, C>G on the plus strand (G>C on the coding strand, the complement: ECHS1 is on the minus strand). VCF-style: chr10-133362871-C-G. GRCh37 (hg19) VCF-style: chr10-135176375-C-G.
Other names: short protein forms Q290H.
Identifiers: ClinVar variation 1948596 (VCV001948596.3), dbSNP rs754957782, ClinGen allele CA5765614.